The following is an entry in ClinVar:

NM_000540.3(RYR1):c.374C>G (p.Ser125Cys)

Gene: RYR1 (ryanodine receptor 1; plus strand). Cytogenetic location: 19q13.2.
Variant type: single nucleotide variant.
Coding change: c.374C>G on transcript NM_000540.3 (MANE Select); coding-DNA position 374, C replaced by G.
Protein change: p.Ser125Cys; replaces serine 125 with cysteine.
Molecular consequence: missense variant.
Genome position (GRCh38, 1-based): chr19:38,443,746, C>G. VCF-style: chr19-38443746-C-G. GRCh37 (hg19) VCF-style: chr19-38934386-C-G.
Other names: c.374C>G, p.Ser125Cys (NM_001042723.2); short protein forms S125C.
Identifiers: ClinVar variation 1433204 (VCV001433204.9), dbSNP rs904309560, ClinGen allele CA308111252.

ClinVar aggregate classification (germline): Uncertain significance. Review status: criteria provided, multiple submitters, no conflicts (2 of 4 stars). 2 submissions from 2 submitters: Uncertain significance (2). Last evaluated 2023-07-10.

Conditions:
RYR1-related disorder. Also called: RYR1-related condition; RYR1-related disorders. Identifiers: MedGen CN239331.
Malignant hyperthermia, susceptibility to, 1 (MHS1). Also called: RYR1-Related Malignant Hyperthermia Susceptibility; Malignant hyperthermia suceptibility 1; Anesthesia related hyperthermia; Malignant hyperpyrexia; Fulminating hyperpyrexia; Pharmacogenic myopathy. Identifiers: Orphanet 423, MedGen C2930980, MONDO:0007783, OMIM 145600.

Allele frequency attached by ClinVar (database versions not stated): gnomAD exomes below 0.00001; TOPMed 0.00002.
gnomAD v4.1: 2 of 1,614,154 alleles (0.00012%); highest among the groups gnomAD compares: African/African-American, 0.0013%; no homozygotes.

Submissions (2):

All of Us Research Program, National Institutes of Health
Classification: Uncertain significance for Malignant hyperthermia, susceptibility to, 1. Last evaluated: 2023-07-10. Review status: criteria provided, single submitter. Criteria: ACMG Guidelines, 2015. Collection method: clinical testing. Allele origin: germline. Inheritance: Autosomal dominant inheritance. Observed: 2 variant alleles, 2 heterozygotes.
Comment: This missense variant replaces serine with cysteine at codon 125 of the RYR1 protein. Computational prediction suggests that this variant may have deleterious impact on protein structure and function (internally defined REVEL score threshold >= 0.7, PMID: 27666373). To our knowledge, functional studies have not been reported for this variant. This variant has not been reported in individuals affected with RYR1-related disorders in the literature. This variant has not been identified in the general population by the Genome Aggregation Database (gnomAD). The available evidence is insufficient to determine the role of this variant in disease conclusively. Therefore, this variant is classified as a Variant of Uncertain Significance.

This study involves interpretation of variants in research participants for the purpose of population health screening. Participant phenotype was not available at the time of variant classification. Additional details can be found in publication PMID: 35346344, PMCID: PMC8962531

Labcorp Genetics (formerly Invitae), Labcorp
Classification: Uncertain significance for RYR1-related disorder. Last evaluated: 2021-02-21. Review status: criteria provided, single submitter. Criteria: Invitae Variant Classification Sherloc (09022015). Collection method: clinical testing. Allele origin: germline.
Comment: This sequence change replaces serine with cysteine at codon 125 of the RYR1 protein (p.Ser125Cys). The serine residue is moderately conserved and there is a moderate physicochemical difference between serine and cysteine. Advanced modeling of protein sequence and biophysical properties (such as structural, functional, and spatial information, amino acid conservation, physicochemical variation, residue mobility, and thermodynamic stability) performed at Invitae indicates that this missense variant is expected to disrupt RYR1 protein function. In summary, the available evidence is currently insufficient to determine the role of this variant in disease. Therefore, it has been classified as a Variant of Uncertain Significance. This variant is not present in population databases (ExAC no frequency). This variant has not been reported in the literature in individuals with RYR1-related conditions.